The following is an entry in ClinVar:

NM_004171.4(SLC1A2):c.236C>G (p.Ala79Gly)

Gene: SLC1A2 (solute carrier family 1 member 2; minus strand). Cytogenetic location: 11p13.
Variant type: single nucleotide variant.
Coding change: c.236C>G on transcript NM_004171.4 (MANE Select); coding-DNA position 236, C replaced by G.
Protein change: p.Ala79Gly; replaces alanine 79 with glycine.
Molecular consequence: missense variant.
Genome position (GRCh38, 1-based): chr11:35,315,097, G>C on the plus strand (C>G on the coding strand, the complement: SLC1A2 is on the minus strand). VCF-style: chr11-35315097-G-C. GRCh37 (hg19) VCF-style: chr11-35336644-G-C.
Other names: c.209C>G, p.Ala70Gly (NM_001195728.3, NM_001252652.2); short protein forms A70G, A79G.
Identifiers: ClinVar variation 1591131 (VCV001591131.11), dbSNP rs377633002, ClinGen allele CA5947369.

ClinVar aggregate classification (germline): Likely benign. Review status: criteria provided, multiple submitters, no conflicts (2 of 4 stars). 4 submissions from 4 submitters: Likely benign (4). Last evaluated 2026-09-01.

Allele frequency attached by ClinVar (database versions not stated): ESP Exome Variant Server 0.00008; ExAC 0.00022; gnomAD exomes 0.00022; gnomAD 0.00036 and 0.00038.
gnomAD v4.1: 469 of 1,611,546 alleles (0.029%); highest among the groups gnomAD compares: Non-Finnish European, 0.038%; no homozygotes.

Submissions (4):

CeGaT Center for Human Genetics Tuebingen
Classification: Likely benign. Last evaluated: 2026-09-01. Review status: criteria provided, single submitter. Criteria: CeGaT Center For Human Genetics Tuebingen Variant Classification Criteria Version 2. Collection method: clinical testing. Allele origin: germline. Affected: yes. Observed: 1 variant allele.
Comment: SLC1A2: BS1

Labcorp Genetics (formerly Invitae), Labcorp
Classification: Likely benign. Last evaluated: 2026-01-28. Review status: criteria provided, single submitter. Criteria: Invitae Variant Classification Sherloc (09022015). Collection method: clinical testing. Allele origin: germline.

Laboratory of Genetics, Children's Clinical University Hospital Latvia
Classification: Likely benign. Last evaluated: 2025-02-16. Review status: criteria provided, single submitter. Criteria: ACMG Guidelines, 2015. Collection method: clinical testing. Allele origin: germline. Affected: yes.

Blueprint Genetics
Classification: Likely benign. Last evaluated: 2024-11-20. Review status: criteria provided, single submitter. Criteria: ACMG Guidelines, 2015. Collection method: clinical testing. Allele origin: germline.